The following is an entry in ClinVar:

NM_000169.3(GLA):c.854C>A (p.Ala285Asp)

Genes: GLA (galactosidase alpha; minus strand), RPL36A-HNRNPH2 (RPL36A-HNRNPH2 readthrough; plus strand). Cytogenetic location: Xq22.1.
Variant type: single nucleotide variant.
Coding change: c.854C>A on transcript NM_000169.3 (MANE Select); coding-DNA position 854, C replaced by A.
Protein change: p.Ala285Asp; replaces alanine 285 with aspartic acid.
Molecular consequence: missense variant. On other transcripts: non-coding transcript variant (3), intron variant (2).
Genome position (GRCh38, 1-based): chrX:101,398,515, G>T on the plus strand (C>A on the coding strand, the complement: GLA is on the minus strand). VCF-style: chrX-101398515-G-T. GRCh37 (hg19) VCF-style: chrX-100653503-G-T.
Other names: c.977C>A, p.Ala326Asp (NM_001406747.1); c.854C>A, p.Ala285Asp (NM_001406748.1); c.300+3058G>T (NM_001199973.2); c.177+6693G>T (NM_001199974.2); short protein forms A285D, A326D.
Identifiers: ClinVar variation 4087551 (VCV004087551.2).

ClinVar aggregate classification (germline): Likely pathogenic (1 of 4 stars; one submission).

Conditions:
Fabry disease. Also called: ALPHA-GALACTOSIDASE A DEFICIENCY; ANDERSON-FABRY DISEASE; CERAMIDE TRIHEXOSIDASE DEFICIENCY; GLA DEFICIENCY; HEREDITARY DYSTOPIC LIPIDOSIS; Angiokeratoma corporis diffusum. Identifiers: Orphanet 324, MedGen C0002986, MONDO:0010526, OMIM 301500, HP:0001071. Disease mechanism: Fabry disease is due to inactivating mutations in the X-linked GLA gene resulting in deficiency of the enzyme Alpha Galactosidase-A., loss of function.

Submission:

Genomenon, Inc
Classification: Likely pathogenic for Fabry disease. Last evaluated: 2026-09-08. Review status: criteria provided, single submitter. Criteria: Genomenon Sequence Variant Interpretation Standards - Updated. Collection method: curation. Allele origin: germline. Affected: yes.
Comment: GLA p.Ala285Asp (c.854C>A) is a missense variant that changes the amino acid at codon 285 from Alanine to Aspartic acid. This variant has been observed in at least one proband with clinical features consistent with Fabry disease (PMID:20022777;39766319;16595074). At least one functional study has demonstrated a substantial alteration in protein function relative to the wild-type (PMID:32023956;27657681). It is absent or not present at a significant frequency in gnomAD. In silico models predict that this variant is possibly or probably damaging. In conclusion, we classify GLA p.Ala285Asp (c.854C>A) as a likely pathogenic variant.

Literature cited by the submitters: PubMed 20022777; PubMed 39766319; PubMed 16595074; PubMed 32023956; PubMed 27657681.